The following is an entry in ClinVar:

ClinVar aggregate classification (germline): Uncertain significance (1 of 4 stars; one submission).

Conditions:
Carnitine palmitoyltransferase II deficiency. Also called: Carnitine Palmitoyltransferase 2 Deficiency. Identifiers: Orphanet 157, MedGen C0342790, MONDO:0015515.

Allele frequency attached by ClinVar (database versions not stated): gnomAD exomes below 0.00001.
gnomAD v4.1: 1 of 1,614,134 alleles (0.000062%); highest among the groups gnomAD compares: Non-Finnish European, 0.000085%; no homozygotes.

Submission:

Labcorp Genetics (formerly Invitae), Labcorp
Classification: Uncertain significance for Carnitine palmitoyltransferase II deficiency. Last evaluated: 2022-04-18. Review status: criteria provided, single submitter. Criteria: Invitae Variant Classification Sherloc (09022015). Collection method: clinical testing. Allele origin: germline.
Comment: In summary, the available evidence is currently insufficient to determine the role of this variant in disease. Therefore, it has been classified as a Variant of Uncertain Significance. Advanced modeling of protein sequence and biophysical properties (such as structural, functional, and spatial information, amino acid conservation, physicochemical variation, residue mobility, and thermodynamic stability) performed at Invitae indicates that this missense variant is not expected to disrupt CPT2 protein function. This variant has not been reported in the literature in individuals affected with CPT2-related conditions. This variant is not present in population databases (gnomAD no frequency). This sequence change replaces isoleucine, which is neutral and non-polar, with valine, which is neutral and non-polar, at codon 332 of the CPT2 protein (p.Ile332Val).

NM_000098.3(CPT2):c.994A>G (p.Ile332Val)

Gene: CPT2 (carnitine palmitoyltransferase 2; plus strand). Cytogenetic location: 1p32.3.
Variant type: single nucleotide variant.
Coding change: c.994A>G on transcript NM_000098.3 (MANE Select); coding-DNA position 994, A replaced by G.
Protein change: p.Ile332Val; replaces isoleucine 332 with valine.
Molecular consequence: missense variant.
Genome position (GRCh38, 1-based): chr1:53,210,668, A>G. VCF-style: chr1-53210668-A-G. GRCh37 (hg19) VCF-style: chr1-53676340-A-G.
Other names: c.994A>G, p.Ile332Val (NM_001330589.2); short protein forms I332V.
Identifiers: ClinVar variation 2161821 (VCV002161821.4), dbSNP rs2525588903, ClinGen allele CA340394283.